The following is an entry in ClinVar:

NM_006118.4(HAX1):c.394T>C (p.Tyr132His)

Gene: HAX1 (HCLS1 associated protein X-1; plus strand). Cytogenetic location: 1q21.3.
Variant type: single nucleotide variant.
Coding change: c.394T>C on transcript NM_006118.4 (MANE Select); coding-DNA position 394, T replaced by C.
Protein change: p.Tyr132His; replaces tyrosine 132 with histidine.
Molecular consequence: missense variant.
Genome position (GRCh38, 1-based): chr1:154,273,851, T>C. VCF-style: chr1-154273851-T-C. GRCh37 (hg19) VCF-style: chr1-154246327-T-C.
Other names: c.250T>C, p.Tyr84His (NM_001018837.2); short protein forms Y132H, Y84H.
Identifiers: ClinVar variation 3524080 (VCV003524080.1).

ClinVar aggregate classification (germline): Uncertain significance (1 of 4 stars; one submission).

Conditions:
Inborn genetic diseases. Identifiers: MedGen C0950123, MeSH D030342.

gnomAD v4.1: 3 of 1,614,078 alleles (0.00019%); highest among the groups gnomAD compares: Non-Finnish European, 0.00017%; no homozygotes.

Submission:

Ambry Genetics
Classification: Uncertain significance for Inborn genetic diseases. Last evaluated: 2024-11-22. Review status: criteria provided, single submitter. Criteria: Ambry Variant Classification Scheme 2023. Collection method: clinical testing. Allele origin: germline.
Comment: The p.Y132H variant (also known as c.394T>C), located in coding exon 3 of the HAX1 gene, results from a T to C substitution at nucleotide position 394. The tyrosine at codon 132 is replaced by histidine, an amino acid with similar properties. This amino acid position is conserved. In addition, this alteration is predicted to be tolerated by in silico analysis. Based on the available evidence, the clinical significance of this variant remains unclear.